The following is an entry in ClinVar:

NM_017757.3(ZNF407):c.1521T>G (p.Arg507=)

Gene: ZNF407 (zinc finger protein 407; plus strand). Cytogenetic location: 18q22.3.
Variant type: single nucleotide variant.
Coding change: c.1521T>G on transcript NM_017757.3 (MANE Select); coding-DNA position 1521, T replaced by G.
Protein change: p.Arg507=; no amino-acid change (arginine 507 retained).
Molecular consequence: synonymous variant.
Genome position (GRCh38, 1-based): chr18:74,632,540, T>G. VCF-style: chr18-74632540-T-G. GRCh37 (hg19) VCF-style: chr18-72344496-T-G.
Other names: c.1521T>G, p.Arg507= (NM_001146189.1, NM_001146190.1, NM_001384475.1).
Identifiers: ClinVar variation 787468 (VCV000787468.13), dbSNP rs191767705, ClinGen allele CA9000382.

ClinVar aggregate classification (germline): Benign/Likely benign. Review status: criteria provided, multiple submitters, no conflicts (2 of 4 stars). 4 submissions from 4 submitters: Benign (2); Likely benign (1). 1 of the submissions does not count toward it. Last evaluated 2026-08-01.

Conditions:
ZNF407-related disorder. Also called: ZNF407-related condition.

Allele frequency attached by ClinVar (database versions not stated): ESP Exome Variant Server 0.00216; gnomAD 0.00389 and 0.00413; TOPMed 0.00425; 1000 Genomes Project 0.00519; gnomAD exomes 0.00034 and 0.00100; ExAC 0.00121; 1000 Genomes Project 30x 0.00547.
gnomAD v4.1: 1,106 of 1,613,978 alleles (0.069%); highest among the groups gnomAD compares: African/African-American, 1.3%; 5 homozygotes.

Submissions (4):

CeGaT Center for Human Genetics Tuebingen
Classification: Likely benign. Last evaluated: 2026-08-01. Review status: criteria provided, single submitter. Criteria: CeGaT Center For Human Genetics Tuebingen Variant Classification Criteria Version 2. Collection method: clinical testing. Allele origin: germline. Affected: yes. Observed: 2 variant alleles.
Comment: ZNF407: BP4, BP7, BS1

Labcorp Genetics (formerly Invitae), Labcorp
Classification: Benign. Last evaluated: 2018-07-11. Review status: criteria provided, single submitter. Criteria: Invitae Variant Classification Sherloc (09022015). Collection method: clinical testing. Allele origin: germline.

Breakthrough Genomics
Classification: Benign. Review status: criteria provided, single submitter. Criteria: ACMG Guidelines, 2015. Collection method: not provided. Allele origin: germline. Inheritance: Autosomal recessive inheritance. Affected: yes.

PreventionGenetics, part of Exact Sciences
Classification: Benign for ZNF407-related condition. Last evaluated: 2019-12-04. Review status: no assertion criteria provided. Collection method: clinical testing. Allele origin: germline. Not counted in ClinVar's aggregate classification.
Comment: This variant is classified as benign based on ACMG/AMP sequence variant interpretation guidelines (Richards et al. 2015 PMID: 25741868, with internal and published modifications).